The following is an entry in ClinVar:

ClinVar aggregate classification (germline): Uncertain significance. Review status: criteria provided, multiple submitters, no conflicts (2 of 4 stars). 2 submissions from 2 submitters: Uncertain significance (2). Last evaluated 2023-06-13.

Conditions:
KMT2A-related disorder. Also called: KMT2A-related condition.

Allele frequency attached by ClinVar (database versions not stated): gnomAD exomes below 0.00001; ExAC 0.00001.

Submissions (2):

PreventionGenetics, part of Exact Sciences
Classification: Uncertain significance for KMT2A-related condition. Last evaluated: 2023-06-13. Review status: criteria provided, single submitter. Criteria: ACMG Guidelines, 2015. Collection method: clinical testing. Allele origin: germline.
Comment: The KMT2A c.496C>T variant is predicted to result in the amino acid substitution p.Pro166Ser. To our knowledge, this variant has not been reported in the literature. This variant is reported in 0.0054% of alleles in individuals of East Asian descent in gnomAD. At this time, the clinical significance of this variant is uncertain due to the absence of conclusive functional and genetic evidence.

Labcorp Genetics (formerly Invitae), Labcorp
Classification: Uncertain significance. Last evaluated: 2022-01-07. Review status: criteria provided, single submitter. Criteria: Invitae Variant Classification Sherloc (09022015). Collection method: clinical testing. Allele origin: germline.
Comment: This variant has not been reported in the literature in individuals affected with KMT2A-related conditions. This sequence change replaces proline, which is neutral and non-polar, with serine, which is neutral and polar, at codon 166 of the KMT2A protein (p.Pro166Ser). This variant is present in population databases (rs782565214, gnomAD 0.006%). Advanced modeling of protein sequence and biophysical properties (such as structural, functional, and spatial information, amino acid conservation, physicochemical variation, residue mobility, and thermodynamic stability) performed at Invitae indicates that this missense variant is not expected to disrupt KMT2A protein function. In summary, the available evidence is currently insufficient to determine the role of this variant in disease. Therefore, it has been classified as a Variant of Uncertain Significance.

NM_001197104.2(KMT2A):c.496C>T (p.Pro166Ser)

Gene: KMT2A (lysine methyltransferase 2A; plus strand). Cytogenetic location: 11q23.3.
Variant type: single nucleotide variant.
Coding change: c.496C>T on transcript NM_001197104.2 (MANE Select); coding-DNA position 496, C replaced by T.
Protein change: p.Pro166Ser; replaces proline 166 with serine.
Molecular consequence: missense variant.
Genome position (GRCh38, 1-based): chr11:118,468,838, C>T. VCF-style: chr11-118468838-C-T. GRCh37 (hg19) VCF-style: chr11-118339553-C-T.
Other names: c.595C>T, p.Pro199Ser (NM_001412597.1); c.496C>T, p.Pro166Ser (NM_005933.4); short protein forms P166S, P199S.
Identifiers: ClinVar variation 2012704 (VCV002012704.5), dbSNP rs782565214, ClinGen allele CA6303300.